The following is an entry in ClinVar:

NM_001079872.2(CUL4B):c.953T>G (p.Ile318Ser)

Gene: CUL4B (cullin 4B; minus strand). Cytogenetic location: Xq24.
Variant type: single nucleotide variant.
Coding change: c.953T>G on transcript NM_001079872.2 (MANE Select); coding-DNA position 953, T replaced by G.
Protein change: p.Ile318Ser; replaces isoleucine 318 with serine.
Molecular consequence: missense variant.
Genome position (GRCh38, 1-based): chrX:120,544,611, A>C on the plus strand (T>G on the coding strand, the complement: CUL4B is on the minus strand). VCF-style: chrX-120544611-A-C. GRCh37 (hg19) VCF-style: chrX-119678466-A-C.
Other names: c.968T>G, p.Ile323Ser (NM_001330624.2); c.419T>G, p.Ile140Ser (NM_001369145.1); c.1007T>G, p.Ile336Ser (NM_003588.4); short protein forms I140S, I318S, I323S, I336S.
Identifiers: ClinVar variation 2632856 (VCV002632856.1), dbSNP rs2521124015, ClinGen allele CA414199454.

ClinVar aggregate classification (germline): Uncertain significance (1 of 4 stars; one submission).

Conditions:
CUL4B-related disorder. Also called: CUL4B-related condition.

Submission:

PreventionGenetics, part of Exact Sciences
Classification: Uncertain significance for CUL4B-related condition. Last evaluated: 2023-05-24. Review status: criteria provided, single submitter. Criteria: ACMG Guidelines, 2015. Collection method: clinical testing. Allele origin: germline.
Comment: The CUL4B c.1007T>G variant is predicted to result in the amino acid substitution p.Ile336Ser. To our knowledge, this variant has not been reported in the literature or in a large population database, indicating this variant is rare. At this time, the clinical significance of this variant is uncertain due to the absence of conclusive functional and genetic evidence.